The following is an entry in ClinVar:

NM_000368.5(TSC1):c.116C>G (p.Pro39Arg)

Gene: TSC1 (TSC complex subunit 1; minus strand). Cytogenetic location: 9q34.13.
Variant type: single nucleotide variant.
Coding change: c.116C>G on transcript NM_000368.5 (MANE Select); coding-DNA position 116, C replaced by G.
Protein change: p.Pro39Arg; replaces proline 39 with arginine.
Molecular consequence: missense variant. On other transcripts: intron variant (1).
Genome position (GRCh38, 1-based): chr9:132,927,295, G>C on the plus strand (C>G on the coding strand, the complement: TSC1 is on the minus strand). VCF-style: chr9-132927295-G-C. GRCh37 (hg19) VCF-style: chr9-135802682-G-C.
Other names: c.116C>G, p.Pro39Arg (NM_001162426.2, NM_001162427.2); c.-154+1472C>G (NM_001362177.2); short protein forms P39R.
Identifiers: ClinVar variation 660516 (VCV000660516.10), dbSNP rs770831962, ClinGen allele CA027217.

ClinVar aggregate classification (germline): Conflicting classifications of pathogenicity. Review status: criteria provided, conflicting classifications (1 of 4 stars). 3 submissions from 3 submitters: Uncertain significance (2); Likely benign (1). Last evaluated 2025-12-09.

Conditions:
Tuberous sclerosis 1 (TSC1). Identifiers: Orphanet 805, MedGen C1854465, MONDO:0008612, OMIM 191100.
Hereditary cancer-predisposing syndrome. Also called: Neoplastic Syndromes, Hereditary; Hereditary neoplastic syndrome; Tumor predisposition; Hereditary Cancer Syndrome. Identifiers: Orphanet 140162, MedGen C0027672, MeSH D009386, MONDO:0015356.
Isolated focal cortical dysplasia type II (FCORD2). Also called: CORTICAL DYSPLASIA OF TAYLOR; Focal cortical dysplasia type II. Identifiers: Orphanet 268994, MedGen C1846385, MONDO:0011818, OMIM 607341, HP:0032051.

Allele frequency attached by ClinVar (database versions not stated): gnomAD exomes below 0.00001; ExAC 0.00001; TOPMed 0.00001.
gnomAD v4.1: 2 of 1,613,692 alleles (0.00012%); highest among the groups gnomAD compares: Non-Finnish European, 0.00017%; no homozygotes.

Submissions (3):

Ambry Genetics
Classification: Uncertain significance for Hereditary cancer-predisposing syndrome. Last evaluated: 2025-12-09. Review status: criteria provided, single submitter. Criteria: Ambry Variant Classification Scheme 2023. Collection method: clinical testing. Allele origin: germline.
Comment: The p.P39R variant (also known as c.116C>G), located in coding exon 2 of the TSC1 gene, results from a C to G substitution at nucleotide position 116. The proline at codon 39 is replaced by arginine, an amino acid with dissimilar properties. This amino acid position is not well conserved in available vertebrate species. In addition, the in silico prediction for this alteration is inconclusive. Based on the available evidence, the clinical significance of this variant remains unclear.

Labcorp Genetics (formerly Invitae), Labcorp
Classification: Likely benign for Tuberous sclerosis 1. Last evaluated: 2025-07-17. Review status: criteria provided, single submitter. Criteria: Invitae Variant Classification Sherloc (09022015). Collection method: clinical testing. Allele origin: germline.

Baylor Genetics
Classification: Uncertain significance for Isolated focal cortical dysplasia type II. Last evaluated: 2023-11-21. Review status: criteria provided, single submitter. Criteria: ACMG Guidelines, 2015. Collection method: clinical testing. Allele origin: unknown.